The following is an entry in ClinVar:

NM_001159699.2(FHL1):c.16_17delinsAC (p.His6Thr)

Gene: FHL1 (four and a half LIM domains 1; plus strand). Cytogenetic location: Xq26.3.
Variant type: Indel.
Coding change: c.16_17delinsAC on transcript NM_001159699.2 (MANE Select); coding-DNA positions 16 to 17, CA replaced by AC.
Protein change: p.His6Thr; replaces histidine 6 with threonine.
Molecular consequence: missense variant. On other transcripts: intron variant (12).
Genome position (GRCh38, 1-based): chrX:136,197,128-136,197,129, CA replaced by AC. VCF-style: chrX-136197128-CA-AC. GRCh37 (hg19) VCF-style: chrX-135279287-CA-AC.
Other names: c.16_17delinsAC, p.His6Thr (NM_001330659.2); c.-26-9279_-26-9278delinsAC (NM_001159702.3, NM_001449.5, NM_001159703.2 and 8 more transcripts); c.61+265_61+266delinsAC (NM_001159701.2); short protein forms H6T.
Identifiers: ClinVar variation 2661500 (VCV002661500.24), dbSNP rs2521115236, ClinGen allele CA2695197183.
Genomic context (GRCh38, chrX:136,197,128, plus strand): 5'-GGGAAGACTGGTCTAGGTGCTGCTCCTGAACTTGGTCTCTGAGCCATGGCTTCCCATAGA[CA>AC]CTCAGGTAAAACTTCATGCTCTTTATCTTATATTGAGCACAGTTTTGTTAGGGCAGTGAA-3'
Protein context (NP_001153171.1, residues 1-16): MASHR[His6Thr]SGPSSYKVGT

ClinVar aggregate classification (germline): Uncertain significance (1 of 4 stars; one submission).

Submission:

CeGaT Center for Human Genetics Tuebingen
Classification: Uncertain significance. Last evaluated: 2022-06-01. Review status: criteria provided, single submitter. Criteria: CeGaT Center For Human Genetics Tuebingen Variant Classification Criteria Version 2. Collection method: clinical testing. Allele origin: germline. Affected: yes. Observed: 1 variant allele.
Comment: FHL1: PM2